The following is an entry in ClinVar:

ClinVar aggregate classification (germline): Uncertain significance. Review status: criteria provided, multiple submitters, no conflicts (2 of 4 stars). 2 submissions from 2 submitters: Uncertain significance (2). Last evaluated 2026-09-11.

Conditions:
Hereditary cancer-predisposing syndrome. Also called: Neoplastic Syndromes, Hereditary; Hereditary Cancer Syndrome; Hereditary neoplastic syndrome; Tumor predisposition. Identifiers: Orphanet 140162, MedGen C0027672, MeSH D009386, MONDO:0015356.
Tuberous sclerosis 1 (TSC1). Identifiers: Orphanet 805, MedGen C1854465, MONDO:0008612, OMIM 191100.

Submissions (2):

Ambry Genetics
Classification: Uncertain significance for Hereditary cancer-predisposing syndrome. Last evaluated: 2026-09-11. Review status: criteria provided, single submitter. Criteria: Ambry Variant Classification Scheme 2023. Collection method: clinical testing. Allele origin: germline.
Comment: The p.R706S variant (also known as c.2116C>A), located in coding exon 15 of the TSC1 gene, results from a C to A substitution at nucleotide position 2116. The arginine at codon 706 is replaced by serine, an amino acid with dissimilar properties. This amino acid position is conserved. In addition, this alteration is predicted to be deleterious by in silico analysis. Based on the available evidence, the clinical significance of this variant remains unclear.

Labcorp Genetics (formerly Invitae), Labcorp
Classification: Uncertain significance for Tuberous sclerosis 1. Last evaluated: 2022-05-26. Review status: criteria provided, single submitter. Criteria: Invitae Variant Classification Sherloc (09022015). Collection method: clinical testing. Allele origin: germline.
Comment: Algorithms developed to predict the effect of missense changes on protein structure and function are either unavailable or do not agree on the potential impact of this missense change (SIFT: "Tolerated"; PolyPhen-2: "Probably Damaging"; Align-GVGD: "Class C0"). In summary, the available evidence is currently insufficient to determine the role of this variant in disease. Therefore, it has been classified as a Variant of Uncertain Significance. ClinVar contains an entry for this variant (Variation ID: 646276). This variant has not been reported in the literature in individuals affected with TSC1-related conditions. This variant is not present in population databases (gnomAD no frequency). This sequence change replaces arginine, which is basic and polar, with serine, which is neutral and polar, at codon 706 of the TSC1 protein (p.Arg706Ser).

NM_000368.5(TSC1):c.2116C>A (p.Arg706Ser)

Gene: TSC1 (TSC complex subunit 1; minus strand). Cytogenetic location: 9q34.13.
Variant type: single nucleotide variant.
Coding change: c.2116C>A on transcript NM_000368.5 (MANE Select); coding-DNA position 2116, C replaced by A.
Protein change: p.Arg706Ser; replaces arginine 706 with serine.
Molecular consequence: missense variant.
Genome position (GRCh38, 1-based): chr9:132,903,743, G>T on the plus strand (C>A on the coding strand, the complement: TSC1 is on the minus strand). VCF-style: chr9-132903743-G-T. GRCh37 (hg19) VCF-style: chr9-135779130-G-T.
Other names: c.2113C>A, p.Arg705Ser (NM_001162426.2); c.1963C>A, p.Arg655Ser (NM_001162427.2); c.1753C>A, p.Arg585Ser (NM_001362177.2); short protein forms R585S, R655S, R705S, R706S.
Identifiers: ClinVar variation 646276 (VCV000646276.8), dbSNP rs1588304163, ClinGen allele CA375361019.